The following is an entry in ClinVar:

ClinVar aggregate classification (germline): Likely benign. Review status: criteria provided, single submitter (1 of 4 stars). 2 submissions from 2 submitters: Likely benign (1). 1 of the submissions does not count toward it. Last evaluated 2024-10-16.

Conditions:
PHIP-related disorder. Also called: PHIP-related condition; PHIP-related disorders.

Submissions (2):

Labcorp Genetics (formerly Invitae), Labcorp
Classification: Likely benign. Last evaluated: 2024-10-16. Review status: criteria provided, single submitter. Criteria: Invitae Variant Classification Sherloc (09022015). Collection method: clinical testing. Allele origin: germline.

PreventionGenetics, part of Exact Sciences
Classification: Likely benign for PHIP-related condition. Last evaluated: 2022-11-23. Review status: no assertion criteria provided. Collection method: clinical testing. Allele origin: germline. Not counted in ClinVar's aggregate classification.
Comment: This variant is classified as likely benign based on ACMG/AMP sequence variant interpretation guidelines (Richards et al. 2015 PMID: 25741868, with internal and published modifications).

NM_017934.7(PHIP):c.4207-7dup

Genes: IRAK1BP1 (interleukin 1 receptor associated kinase 1 binding protein 1; plus strand), PHIP (PHIP subunit of CUL4-Ring ligase complex; minus strand). Cytogenetic location: 6q14.1.
Variant type: Duplication.
Coding change: c.4207-7dup on transcript NM_017934.7 (MANE Select); 7 bases into the intron before coding-DNA position 4207, one base duplicated (C; older notation c.4207-7dupC).
Molecular consequence: intron variant.
Genome position (GRCh38, 1-based): chr6:78,946,881, G duplicated on the plus strand (C on the coding strand, the reverse complement: PHIP is on the minus strand); the first of 3 consecutive G bases (chr6:78,946,881-78,946,883); duplicating any one gives the same sequence. VCF-style (leftmost placement, unchanged base first): chr6-78946880-A-AG. GRCh37 (hg19) VCF-style: chr6-79656597-A-AG.
Other names: c.4207-7dupC (NM_017934.6).
Identifiers: ClinVar variation 2190320 (VCV002190320.5), dbSNP rs756702926, ClinGen allele CA3899492.